The following is an entry in ClinVar:

NM_002693.3(POLG):c.1251-43C>T

Gene: POLG (DNA polymerase gamma, catalytic subunit; minus strand). Cytogenetic location: 15q26.1.
Variant type: single nucleotide variant.
Coding change: c.1251-43C>T on transcript NM_002693.3 (MANE Select); 43 bases into the intron before coding-DNA position 1251, C replaced by T.
Molecular consequence: intron variant.
Genome position (GRCh38, 1-based): chr15:89,327,392, G>A on the plus strand (C>T on the coding strand, the complement: POLG is on the minus strand). VCF-style: chr15-89327392-G-A. GRCh37 (hg19) VCF-style: chr15-89870623-G-A.
Other names: c.1251-43C>T (NM_001126131.2).
Identifiers: ClinVar variation 619490 (VCV000619490.1), dbSNP rs2307444, ClinGen allele CA7724903.

ClinVar aggregate classification (germline): Benign/Likely benign. Review status: criteria provided, multiple submitters, no conflicts (2 of 4 stars). 2 submissions from 2 submitters: Benign (1); Likely benign (1). Last evaluated 2018-10-01.

Conditions:
Progressive sclerosing poliodystrophy (MTDPS4A). Also called: Alpers-Huttenlocher Syndrome (AHS); Alpers Syndrome; ALPERS PROGRESSIVE INFANTILE POLIODYSTROPHY; Mitochondrial DNA depletion syndrome 4A (Alpers type); ALPERS DIFFUSE DEGENERATION OF CEREBRAL GRAY MATTER WITH HEPATIC CIRRHOSIS; Alpers-Huttenlocher Syndrome. Identifiers: Orphanet 726, MedGen C0205710, MONDO:0008758, OMIM 203700.

Allele frequency attached by ClinVar (database versions not stated): gnomAD exomes 0.00532; ExAC 0.00656; gnomAD 0.02210 and 0.02369; ESP Exome Variant Server 0.02212; TOPMed 0.02428; 1000 Genomes Project 0.02496; 1000 Genomes Project 30x 0.02498.
gnomAD v4.1: 6,463 of 1,579,868 alleles (0.41%); highest among the groups gnomAD compares: African/African-American, 7.9%; 228 homozygotes.

Submissions (2):

Wong Mito Lab, Molecular and Human Genetics, Baylor College of Medicine
Classification: Likely benign for Progressive sclerosing poliodystrophy. Last evaluated: 2018-10-01. Review status: criteria provided, single submitter. Criteria: ACMG Guidelines, 2015. Collection method: clinical testing. Allele origin: germline.
Comment: The NM_002693.2:c.1251-43C>T (NP_002684.1:p.=) [GRCH38: NC_000015.10:g.89327392G>A] variant in POLG gene is interpretated to be a Likely Benign based on ACMG guidelines (PMID: 25741868). This variant meets the following evidence codes reported in the ACMG-guideline. BP4:Computational evidence/predictors indicate no impact on the POLG structure, function, or protein-protein interaction. BP6:Reputable source(s) without shared data suggest the variant is benign. BS1:The minor allele frequency of this allele is high for Mitochondrial DNA depletion syndrome 4A (Alpers type). Based on the evidence criteria codes applied, the variant is suggested to be Likely Benign.

GeneDx
Classification: Benign. Last evaluated: 2018-06-14. Review status: criteria provided, single submitter. Criteria: GeneDx Variant Classification (06012015). Collection method: clinical testing. Allele origin: germline. Affected: yes.
Comment: This variant is considered likely benign or benign based on one or more of the following criteria: it is a conservative change, it occurs at a poorly conserved position in the protein, it is predicted to be benign by multiple in silico algorithms, and/or has population frequency not consistent with disease.